The following is an entry in ClinVar:

ClinVar aggregate classification (germline): Uncertain significance (1 of 4 stars; one submission).

Allele frequency attached by ClinVar (database versions not stated): gnomAD exomes below 0.00001.
gnomAD v4.1: 1 of 1,210,372 alleles (0.000083%); highest among the groups gnomAD compares: African/African-American, 0.0017%; no homozygotes.

Submission:

CeGaT Center for Human Genetics Tuebingen
Classification: Uncertain significance. Last evaluated: 2023-06-01. Review status: criteria provided, single submitter. Criteria: CeGaT Center For Human Genetics Tuebingen Variant Classification Criteria Version 2. Collection method: clinical testing. Allele origin: germline. Affected: yes. Observed: 1 variant allele.
Comment: BCORL1: PM2, BP4

NM_001379451.1(BCORL1):c.4115A>G (p.Gln1372Arg)

Gene: BCORL1 (BCL6 corepressor like 1; plus strand). Cytogenetic location: Xq26.1.
Variant type: single nucleotide variant.
Coding change: c.4115A>G on transcript NM_001379451.1 (MANE Select); coding-DNA position 4115, A replaced by G.
Protein change: p.Gln1372Arg; replaces glutamine 1372 with arginine.
Molecular consequence: missense variant.
Genome position (GRCh38, 1-based): chrX:130,028,671, A>G. VCF-style: chrX-130028671-A-G. GRCh37 (hg19) VCF-style: chrX-129162646-A-G.
Other names: c.4115A>G, p.Gln1372Arg (NM_001184772.3, NM_001379450.1, NM_021946.5); short protein forms Q1372R.
Identifiers: ClinVar variation 2661422 (VCV002661422.24), dbSNP rs2522793191, ClinGen allele CA414553523.